The following is an entry in ClinVar:

ClinVar aggregate classification (germline): Conflicting classifications of pathogenicity. Review status: criteria provided, conflicting classifications (1 of 4 stars). 6 submissions from 6 submitters: Uncertain significance (5); Benign (1). Last evaluated 2026-03-25.

Conditions:
Upshaw-Schulman syndrome (TTP). Also called: Congenital thrombotic thrombocytopenic purpura; THROMBOTIC THROMBOCYTOPENIC PURPURA, HEREDITARY. Identifiers: Orphanet 93583, MedGen C1268935, MONDO:0010122, OMIM 274150.
Inborn genetic diseases. Identifiers: MedGen C0950123, MeSH D030342.

Allele frequency attached by ClinVar (database versions not stated): gnomAD exomes 0.00007 and 0.00015; ESP Exome Variant Server 0.00016; ExAC 0.00021; gnomAD 0.00034 and 0.00039; TOPMed 0.00042.
gnomAD v4.1: 152 of 1,593,490 alleles (0.0095%); highest among the groups gnomAD compares: African/African-American, 0.098%; 1 homozygote.

Submissions (6):

Women's Health and Genetics/Laboratory Corporation of America, LabCorp
Classification: Uncertain significance. Last evaluated: 2026-03-25. Review status: criteria provided, single submitter. Criteria: LabCorp Variant Classification Summary - May 2015. Collection method: clinical testing. Allele origin: germline.
Comment: Variant summary: ADAMTS13 c.2308G>A (p.Val770Met) results in a conservative amino acid change in the encoded protein sequence. Algorithms developed to predict the effect of missense changes on protein structure and function all suggest that this variant is likely to be tolerated. The variant allele was found at a frequency of 0.00015 in 211290 control chromosomes. This frequency is not significantly higher than estimated for disease-causing variants in ADAMTS13, allowing no conclusion about variant significance. To our knowledge, no occurrence of c.2308G>A in individuals affected with ADAMTS13-related conditions and no experimental evidence demonstrating its impact on protein function have been reported. ClinVar contains an entry for this variant (Variation ID: 365554). Based on the evidence outlined above, the variant was classified as uncertain significance.

Labcorp Genetics (formerly Invitae), Labcorp
Classification: Benign. Last evaluated: 2026-01-15. Review status: criteria provided, single submitter. Criteria: Invitae Variant Classification Sherloc (09022015). Collection method: clinical testing. Allele origin: germline.

Fulgent Genetics
Classification: Uncertain significance for Upshaw-Schulman syndrome. Last evaluated: 2022-02-03. Review status: criteria provided, single submitter. Criteria: ACMG Guidelines, 2015. Collection method: clinical testing. Allele origin: unknown.

Ambry Genetics
Classification: Uncertain significance for Inborn genetic diseases. Last evaluated: 2021-07-14. Review status: criteria provided, single submitter. Criteria: Ambry Variant Classification Scheme 2023. Collection method: clinical testing. Allele origin: germline.

Illumina Laboratory Services, Illumina
Classification: Uncertain significance for Upshaw-Schulman syndrome. Last evaluated: 2018-01-12. Review status: criteria provided, single submitter. Criteria: ICSL Variant Classification Criteria 13 December 2019. Collection method: clinical testing. Allele origin: germline.

Eurofins Ntd Llc (ga)
Classification: Uncertain significance. Last evaluated: 2017-06-16. Review status: criteria provided, single submitter. Criteria: EGL Classification Definitions 2015. Collection method: clinical testing. Allele origin: germline. Observed: 1 variant allele, 1 heterozygote.

NM_139027.6(ADAMTS13):c.2308G>A (p.Val770Met)

Gene: ADAMTS13 (ADAM metallopeptidase with thrombospondin type 1 motif 13; plus strand). Cytogenetic location: 9q34.2.
Variant type: single nucleotide variant.
Coding change: c.2308G>A on transcript NM_139027.6 (MANE Select); coding-DNA position 2308, G replaced by A.
Protein change: p.Val770Met; replaces valine 770 with methionine.
Molecular consequence: missense variant.
Genome position (GRCh38, 1-based): chr9:133,443,449, G>A. VCF-style: chr9-133443449-G-A. GRCh37 (hg19) VCF-style: chr9-136308570-G-A.
Other names: c.2308G>A, p.Val770Met (NM_139025.5); c.2215G>A, p.Val739Met (NM_139026.6); c.2308G>A (NM_139025.3); short protein forms V770M, V739M.
Identifiers: ClinVar variation 365554 (VCV000365554.16), dbSNP rs374606481, ClinGen allele CA10633064.